The following is an entry in ClinVar:

NM_000153.4(GALC):c.41C>A (p.Ala14Glu)

Gene: GALC (galactosylceramidase; minus strand). Cytogenetic location: 14q31.3.
Variant type: single nucleotide variant.
Coding change: c.41C>A on transcript NM_000153.4 (MANE Select); coding-DNA position 41, C replaced by A.
Protein change: p.Ala14Glu; replaces alanine 14 with glutamic acid.
Molecular consequence: missense variant. On other transcripts: 5 prime UTR variant (3), non-coding transcript variant (1), intron variant (2).
Genome position (GRCh38, 1-based): chr14:87,993,124, G>T on the plus strand (C>A on the coding strand, the complement: GALC is on the minus strand). VCF-style: chr14-87993124-G-T. GRCh37 (hg19) VCF-style: chr14-88459468-G-T.
Other names: c.41C>A, p.Ala14Glu (NM_001201401.2); c.-230C>A (NM_001424072.1); c.-396C>A (NM_001424075.1); c.-627C>A (NM_001424077.1); c.-473+259C>A (NM_001424076.1); c.117+259C>A (NM_001201402.2); short protein forms A14E.
Identifiers: ClinVar variation 4078734 (VCV004078734.2).

ClinVar aggregate classification (germline): Uncertain significance. Review status: criteria provided, multiple submitters, no conflicts (2 of 4 stars). 2 submissions from 2 submitters: Uncertain significance (2). Last evaluated 2025-10-02.

Conditions:
Galactosylceramide beta-galactosidase deficiency. Also called: GALACTOCEREBROSIDASE DEFICIENCY; GALC DEFICIENCY; GLOBOID CELL LEUKOENCEPHALOPATHY; Leukodystrophy, Globoid Cell; Krabbe Disease. Identifiers: Orphanet 487, MedGen C0023521, MONDO:0009499, OMIM 245200.

gnomAD v4.1: 40 of 1,585,658 alleles (0.0025%); highest among the groups gnomAD compares: South Asian, 0.042%; no homozygotes.

Submissions (2):

Labcorp Genetics (formerly Invitae), Labcorp
Classification: Uncertain significance for Galactosylceramide beta-galactosidase deficiency. Last evaluated: 2025-10-02. Review status: criteria provided, single submitter. Criteria: Invitae Variant Classification Sherloc (09022015). Collection method: clinical testing. Allele origin: germline.
Comment: This sequence change replaces alanine, which is neutral and non-polar, with glutamic acid, which is acidic and polar, at codon 14 of the GALC protein (p.Ala14Glu). This variant is present in population databases (rs373587692, gnomAD 0.04%). This variant has not been reported in the literature in individuals affected with GALC-related conditions. Invitae Evidence Modeling of protein sequence and biophysical properties (such as structural, functional, and spatial information, amino acid conservation, physicochemical variation, residue mobility, and thermodynamic stability) indicates that this missense variant is not expected to disrupt GALC protein function with a negative predictive value of 95%. In summary, the available evidence is currently insufficient to determine the role of this variant in disease. Therefore, it has been classified as a Variant of Uncertain Significance.

Revvity Omics, Revvity
Classification: Uncertain significance. Last evaluated: 2023-09-21. Review status: criteria provided, single submitter. Criteria: ACMG Guidelines, 2015. Collection method: clinical testing. Allele origin: germline.